The following is an entry in ClinVar:

NM_005506.4(SCARB2):c.1270C>T (p.Arg424Ter)

Gene: SCARB2 (scavenger receptor class B member 2; minus strand). Cytogenetic location: 4q21.1.
Variant type: single nucleotide variant.
Coding change: c.1270C>T on transcript NM_005506.4 (MANE Select); coding-DNA position 1270, C replaced by T.
Protein change: p.Arg424Ter; replaces arginine 424 with a stop codon.
Molecular consequence: nonsense.
Genome position (GRCh38, 1-based): chr4:76,163,353, G>A on the plus strand (C>T on the coding strand, the complement: SCARB2 is on the minus strand). VCF-style: chr4-76163353-G-A. GRCh37 (hg19) VCF-style: chr4-77084506-G-A.
Other names: c.841C>T, p.Arg281Ter (NM_001204255.2); short protein forms R424*, R281*.
Identifiers: ClinVar variation 268146 (VCV000268146.11), dbSNP rs886041078, ClinGen allele CA10602674.

ClinVar aggregate classification (germline): Pathogenic. Review status: criteria provided, multiple submitters, no conflicts (2 of 4 stars). 4 submissions from 4 submitters: Pathogenic (3). 1 of the submissions does not count toward it. Last evaluated 2022-01-25.

Conditions:
Action myoclonus-renal failure syndrome. Also called: SCARB2-Related Action Myoclonus-Renal Failure Syndrome; MYOCLONUS-NEPHROPATHY SYNDROME; EPILEPSY, PROGRESSIVE MYOCLONIC, 4, WITH RENAL FAILURE; EPILEPSY, PROGRESSIVE MYOCLONIC, 4, WITHOUT RENAL FAILURE. Identifiers: Orphanet 163696, MedGen C0751779, MeSH D020191, MONDO:0009699, OMIM 254900.
Inborn genetic diseases. Identifiers: MedGen C0950123, MeSH D030342.
Progressive myoclonic epilepsy. Also called: Familial progressive myoclonic epilepsy; Myoclonic Epilepsies, Progressive; Progressive myoclonus epilepsy; Myoclonus epilepsy. Identifiers: Orphanet 308, Orphanet 98261, MedGen C0751778, MONDO:0020074.

Allele frequency attached by ClinVar (database versions not stated): gnomAD exomes below 0.00001; TOPMed below 0.00001; gnomAD 0.00001.
gnomAD v4.1: 11 of 1,614,040 alleles (0.00068%); highest among the groups gnomAD compares: Non-Finnish European, 0.00093%; no homozygotes.

Submissions (4):

Fulgent Genetics
Classification: Pathogenic for Action myoclonus-renal failure syndrome. Last evaluated: 2022-01-25. Review status: criteria provided, single submitter. Criteria: ACMG Guidelines, 2015. Collection method: clinical testing. Allele origin: unknown.

Labcorp Genetics (formerly Invitae), Labcorp
Classification: Pathogenic for Progressive myoclonic epilepsy. Last evaluated: 2021-11-05. Review status: criteria provided, single submitter. Criteria: Invitae Variant Classification Sherloc (09022015). Collection method: clinical testing. Allele origin: germline.
Comment: This sequence change creates a premature translational stop signal (p.Arg424*) in the SCARB2 gene. It is expected to result in an absent or disrupted protein product. Loss-of-function variants in SCARB2 are known to be pathogenic (PMID: 19847901). This variant is present in population databases (no rsID available, gnomAD 0.0009%). This premature translational stop signal has been observed in individuals with progressive myoclonic epilepsy (PMID: 24485911, 24620919). It has also been observed to segregate with disease in related individuals. ClinVar contains an entry for this variant (Variation ID: 268146). For these reasons, this variant has been classified as Pathogenic.

Ambry Genetics
Classification: Pathogenic for Inborn genetic diseases. Last evaluated: 2018-09-10. Review status: criteria provided, single submitter. Criteria: Ambry Variant Classification Scheme 2023. Collection method: clinical testing. Allele origin: germline.
Comment: The p.R424* pathogenic mutation (also known as c.1270C>T), located in coding exon 11 of the SCARB2 gene, results from a C to T substitution at nucleotide position 1270. This changes the amino acid from an arginine to a stop codon within coding exon 11. This variant was detected in the homozygous state in an individual with unsteady gait, myoclonus, tremors, seizures; both parents were confirmed carriers (Zeigler M et al. J. Neurol. Sci., 2014 Apr;339:210-3). In another family, this mutation was detected in the homozygous state in two similarly affected siblings with gait disorder, and tremor; one sibling had seizures and a paternally inherited variant in KCNQ2, which was absent from the second sibling (He M et al. Clin. Genet., 2014 Dec;86:598-600). In addition to the clinical data presented in the literature, this alteration is expected to result in loss of function by premature protein truncation or nonsense-mediated mRNA decay. As such, this alteration is interpreted as a disease-causing mutation.

GeneReviews
No classification provided. Condition: Action myoclonus-renal failure syndrome. Review status: no classification provided. Collection method: literature only. Allele origin: germline. Affected: yes. Not counted in ClinVar's aggregate classification.

Literature cited by the submitters: PubMed 19847901 (cited by Labcorp Genetics (formerly Invitae), Labcorp); PubMed 24485911 (cited by 3 submitters); PubMed 24620919 (cited by 3 submitters); NCBI Bookshelf NBK333437 (cited by GeneReviews).